The following is an entry in ClinVar:

ClinVar aggregate classification (germline): Uncertain significance. Review status: criteria provided, multiple submitters, no conflicts (2 of 4 stars). 4 submissions from 4 submitters: Uncertain significance (4). Last evaluated 2025-10-15.

Conditions:
Hereditary cancer-predisposing syndrome. Also called: Hereditary Cancer Syndrome; Hereditary neoplastic syndrome; Neoplastic Syndromes, Hereditary; Tumor predisposition. Identifiers: Orphanet 140162, MedGen C0027672, MeSH D009386, MONDO:0015356.
Nijmegen breakage syndrome-like disorder (NBSLD). Also called: MICROCEPHALY AND SPONTANEOUS CHROMOSOME INSTABILITY WITHOUT IMMUNODEFICIENCY; NBS-LIKE DISORDER; RAD50 DEFICIENCY. Identifiers: Orphanet 240760, MedGen C2751318, MONDO:0013118, OMIM 613078.

Allele frequency attached by ClinVar (database versions not stated): gnomAD exomes below 0.00001; TOPMed below 0.00001; gnomAD 0.00001.

Submissions (4):

Quest Diagnostics Nichols Institute San Juan Capistrano
Classification: Uncertain significance. Last evaluated: 2025-10-15. Review status: criteria provided, single submitter. Criteria: Quest Diagnostics criteria. Collection method: clinical testing. Allele origin: unknown.
Comment: The RAD50 c.1484G>A (p.Ser495Asn) variant has not been reported in individuals with RAD50-related conditions in the published literature. The frequency of this variant in the general population (Genome Aggregation Database) is uninformative in the assessment of its pathogenicity. Analysis of this variant using bioinformatics tools for the prediction of the effect of amino acid changes on protein structure and function yielded predictions that this variant is benign. Based on the available information, we are unable to determine the clinical significance of this variant.

Ambry Genetics
Classification: Uncertain significance for Hereditary cancer-predisposing syndrome. Last evaluated: 2024-01-13. Review status: criteria provided, single submitter. Criteria: Ambry Variant Classification Scheme 2023. Collection method: clinical testing. Allele origin: germline.
Comment: The p.S495N variant (also known as c.1484G>A), located in coding exon 10 of the RAD50 gene, results from a G to A substitution at nucleotide position 1484. The serine at codon 495 is replaced by asparagine, an amino acid with highly similar properties. This amino acid position is well conserved in available vertebrate species. In addition, this alteration is predicted to be tolerated by in silico analysis. Since supporting evidence is limited at this time, the clinical significance of this alteration remains unclear.

Labcorp Genetics (formerly Invitae), Labcorp
Classification: Uncertain significance for Hereditary cancer-predisposing syndrome. Last evaluated: 2023-07-08. Review status: criteria provided, single submitter. Criteria: Invitae Variant Classification Sherloc (09022015). Collection method: clinical testing. Allele origin: germline.
Comment: ClinVar contains an entry for this variant (Variation ID: 408405). Advanced modeling of protein sequence and biophysical properties (such as structural, functional, and spatial information, amino acid conservation, physicochemical variation, residue mobility, and thermodynamic stability) performed at Invitae indicates that this missense variant is not expected to disrupt RAD50 protein function. In summary, the available evidence is currently insufficient to determine the role of this variant in disease. Therefore, it has been classified as a Variant of Uncertain Significance. This sequence change replaces serine, which is neutral and polar, with asparagine, which is neutral and polar, at codon 495 of the RAD50 protein (p.Ser495Asn). This variant is present in population databases (no rsID available, gnomAD 0.007%). This variant has not been reported in the literature in individuals affected with RAD50-related conditions.

Sema4
Classification: Uncertain significance for Nijmegen breakage syndrome-like disorder. Last evaluated: 2021-04-15. Review status: criteria provided, single submitter. Criteria: Sema4 Curation Guidelines. Collection method: curation. Allele origin: germline.
Comment: The RAD50 c.1484G>A (p.S495N) variant has not been reported in the literature to our knowledge. It was observed in 1/15422 chromosomes of the Non-Finnish European subpopulation in the large and broad cohorts of the Genome Aggregation Database (PMID: 32461654). The variant has been reported in ClinVar (Variation ID: 408405). In silico tools suggest the impact of the variant on protein function is benign, though these predictions have not been confirmed by functional studies. The evidence is insufficient to meet ACMG/AMP criteria for classifying the variant as benign or pathogenic. Thus, the clinical significance of this variant is currently uncertain.

NM_005732.4(RAD50):c.1484G>A (p.Ser495Asn)

Gene: RAD50 (RAD50 double strand break repair protein; plus strand). Cytogenetic location: 5q31.1.
Variant type: single nucleotide variant.
Coding change: c.1484G>A on transcript NM_005732.4 (MANE Select); coding-DNA position 1484, G replaced by A.
Protein change: p.Ser495Asn; replaces serine 495 with asparagine.
Molecular consequence: missense variant.
Genome position (GRCh38, 1-based): chr5:132,591,255, G>A. VCF-style: chr5-132591255-G-A. GRCh37 (hg19) VCF-style: chr5-131926947-G-A.
Other names: short protein forms S495N.
Identifiers: ClinVar variation 408405 (VCV000408405.16), dbSNP rs1060501967, ClinGen allele CA16611766.